The following is an entry in ClinVar:

NC_000016.9:g.(?_31191459)_(31198158_31199645)dup

Gene: FUS (FUS RNA binding protein; plus strand). Cytogenetic location: 16p11.2.
Variant type: Duplication.
Identifiers: ClinVar variation 3375271 (VCV003375271.1).

ClinVar aggregate classification (germline): Uncertain significance (1 of 4 stars; one submission).

Submission:

Women's Health and Genetics/Laboratory Corporation of America, LabCorp
Classification: Uncertain significance. Last evaluated: 2024-09-24. Review status: criteria provided, single submitter. Criteria: LabCorp Variant Classification Summary - May 2015. Collection method: clinical testing. Allele origin: germline.
Comment: Variant summary: The variant involves the duplication of exons *** in the FUS gene. A presumed nomenclature of c.(?_-77)_(799+1_800-1)dup has been designated for the purposes of this classification. The exact breakpoint at the 5' end of this variant is unknown, therefore this duplication may extend upstream of the annotated region of this gene. It is predicted to duplicate a segment including the initiation codon, therefore its impact on the encoded protein is unknown. The variant was absent in 21694 control chromosomes. The available data on variant occurrences in the general population are insufficient to allow any conclusion about variant significance. To our knowledge, no occurrence of c.(?_-77)_(799+1_800-1)dup in individuals affected with FUS-Related Disorders and no experimental evidence demonstrating its impact on protein function have been reported. No submitters have cited clinical-significance assessments for this variant to ClinVar. Based on the evidence outlined above, the variant was classified as uncertain significance.